The following is an entry in ClinVar:

ClinVar aggregate classification (germline): Uncertain significance (1 of 4 stars; one submission).

Conditions:
Costello syndrome (CSTLO). Also called: FACIOCUTANEOSKELETAL SYNDROME; HRAS-Related Costello Syndrome; FCS SYNDROME. Identifiers: Orphanet 3071, MedGen C0587248, MONDO:0009026, OMIM 218040.

Allele frequency attached by ClinVar (database versions not stated): gnomAD exomes below 0.00001; gnomAD 0.00001.
gnomAD v4.1: 2 of 1,613,524 alleles (0.00012%); highest among the groups gnomAD compares: South Asian, 0.0011%; no homozygotes.

Submission:

Labcorp Genetics (formerly Invitae), Labcorp
Classification: Uncertain significance for Costello syndrome. Last evaluated: 2025-08-05. Review status: criteria provided, single submitter. Criteria: Invitae Variant Classification Sherloc (09022015). Collection method: clinical testing. Allele origin: germline.
Comment: This sequence change replaces serine, which is neutral and polar, with asparagine, which is neutral and polar, at codon 136 of the HRAS protein (p.Ser136Asn). This variant is not present in population databases (gnomAD no frequency). This variant has not been reported in the literature in individuals affected with HRAS-related conditions. ClinVar contains an entry for this variant (Variation ID: 939384). Invitae Evidence Modeling of protein sequence and biophysical properties (such as structural, functional, and spatial information, amino acid conservation, physicochemical variation, residue mobility, and thermodynamic stability) indicates that this missense variant is not expected to disrupt HRAS protein function with a negative predictive value of 80%. In summary, the available evidence is currently insufficient to determine the role of this variant in disease. Therefore, it has been classified as a Variant of Uncertain Significance.

NM_005343.4(HRAS):c.407G>A (p.Ser136Asn)

Genes: HRAS (HRas proto-oncogene, GTPase; minus strand), LRRC56 (leucine rich repeat containing 56; plus strand). Cytogenetic location: 11p15.5.
Variant type: single nucleotide variant.
Coding change: c.407G>A on transcript NM_005343.4 (MANE Select); coding-DNA position 407, G replaced by A.
Protein change: p.Ser136Asn; replaces serine 136 with asparagine.
Molecular consequence: missense variant.
Genome position (GRCh38, 1-based): chr11:533,496, C>T on the plus strand (G>A on the coding strand, the complement: HRAS is on the minus strand). VCF-style: chr11-533496-C-T. GRCh37 (hg19) VCF-style: chr11-533496-C-T.
Other names: c.407G>A, p.Ser136Asn (NM_001130442.3, NM_176795.5); c.88G>A, p.Ala30Thr (NM_001318054.2); short protein forms A30T, S136N.
Identifiers: ClinVar variation 939384 (VCV000939384.10), dbSNP rs748289593, ClinGen allele CA378922956.